The following is an entry in ClinVar:

ClinVar aggregate classification (germline): Uncertain significance. Review status: criteria provided, multiple submitters, no conflicts (2 of 4 stars). 3 submissions from 3 submitters: Uncertain significance (3). Last evaluated 2024-10-21.

Conditions:
ABCG5-related disorder. Also called: ABCG5-related condition.
Cardiovascular phenotype. Identifiers: MedGen CN230736.
Sitosterolemia (STSL). Also called: PHYTOSTEROLEMIA. Identifiers: Orphanet 2882, MedGen C0342907, MONDO:0008863.

Allele frequency attached by ClinVar (database versions not stated): gnomAD exomes below 0.00001; gnomAD 0.00001; TOPMed 0.00001.
gnomAD v4.1: 7 of 1,614,012 alleles (0.00043%); highest among the groups gnomAD compares: East Asian, 0.016%; no homozygotes.

Submissions (3):

Labcorp Genetics (formerly Invitae), Labcorp
Classification: Uncertain significance for Sitosterolemia. Last evaluated: 2024-10-21. Review status: criteria provided, single submitter. Criteria: Invitae Variant Classification Sherloc (09022015). Collection method: clinical testing. Allele origin: germline.
Comment: This sequence change replaces proline, which is neutral and non-polar, with leucine, which is neutral and non-polar, at codon 53 of the ABCG5 protein (p.Pro53Leu). This variant is present in population databases (no rsID available, gnomAD 0.02%). This variant has not been reported in the literature in individuals affected with ABCG5-related conditions. ClinVar contains an entry for this variant (Variation ID: 2564014). An algorithm developed to predict the effect of missense changes on protein structure and function (PolyPhen-2) suggests that this variant is likely to be tolerated. In summary, the available evidence is currently insufficient to determine the role of this variant in disease. Therefore, it has been classified as a Variant of Uncertain Significance.

Ambry Genetics
Classification: Uncertain significance for Cardiovascular phenotype. Last evaluated: 2023-06-05. Review status: criteria provided, single submitter. Criteria: Ambry Variant Classification Scheme 2023. Collection method: clinical testing. Allele origin: germline.
Comment: The p.P53L variant (also known as c.158C>T), located in coding exon 2 of the ABCG5 gene, results from a C to T substitution at nucleotide position 158. The proline at codon 53 is replaced by leucine, an amino acid with similar properties. This amino acid position is conserved. In addition, the in silico prediction for this alteration is inconclusive. Since supporting evidence is limited at this time, the clinical significance of this alteration remains unclear.

PreventionGenetics, part of Exact Sciences
Classification: Uncertain significance for ABCG5-related condition. Last evaluated: 2022-12-09. Review status: criteria provided, single submitter. Criteria: ACMG Guidelines, 2015. Collection method: clinical testing. Allele origin: germline.
Comment: The ABCG5 c.158C>T variant is predicted to result in the amino acid substitution p.Pro53Leu. To our knowledge, this variant has not been reported in the literature. This variant is reported in 0.015% of alleles in individuals of East Asian descent in gnomAD. At this time, the clinical significance of this variant is uncertain due to the absence of conclusive functional and genetic evidence.

NM_022436.3(ABCG5):c.158C>T (p.Pro53Leu)

Gene: ABCG5 (ATP binding cassette subfamily G member 5; minus strand). Cytogenetic location: 2p21.
Variant type: single nucleotide variant.
Coding change: c.158C>T on transcript NM_022436.3 (MANE Select); coding-DNA position 158, C replaced by T.
Protein change: p.Pro53Leu; replaces proline 53 with leucine.
Molecular consequence: missense variant.
Genome position (GRCh38, 1-based): chr2:43,837,941, G>A on the plus strand (C>T on the coding strand, the complement: ABCG5 is on the minus strand). VCF-style: chr2-43837941-G-A. GRCh37 (hg19) VCF-style: chr2-44065080-G-A.
Other names: short protein forms P53L.
Identifiers: ClinVar variation 2564014 (VCV002564014.5), dbSNP rs1395568891, ClinGen allele CA346661614.